The following is an entry in ClinVar:

ClinVar aggregate classification (germline): Uncertain significance. Review status: criteria provided, multiple submitters, no conflicts (2 of 4 stars). 2 submissions from 2 submitters: Uncertain significance (2). Last evaluated 2024-07-27.

gnomAD v4.1: 1 of 1,614,188 alleles (0.000062%); highest among the groups gnomAD compares: East Asian, 0.0022%; no homozygotes.

Submissions (2):

Ambry Genetics
Classification: Uncertain significance. Last evaluated: 2024-07-27. Review status: criteria provided, single submitter. Criteria: Ambry Variant Classification Scheme 2023. Collection method: clinical testing. Allele origin: germline.
Comment: The p.E262D variant (also known as c.786G>T), located in coding exon 6 of the RINT1 gene, results from a G to T substitution at nucleotide position 786. The glutamic acid at codon 262 is replaced by aspartic acid, an amino acid with highly similar properties. This amino acid position is conserved. In addition, this alteration is predicted to be tolerated by in silico analysis. Since supporting evidence is limited at this time, the clinical significance of this alteration remains unclear.

Labcorp Genetics (formerly Invitae), Labcorp
Classification: Uncertain significance. Last evaluated: 2023-07-25. Review status: criteria provided, single submitter. Criteria: Invitae Variant Classification Sherloc (09022015). Collection method: clinical testing. Allele origin: germline.
Comment: This sequence change replaces glutamic acid, which is acidic and polar, with aspartic acid, which is acidic and polar, at codon 262 of the RINT1 protein (p.Glu262Asp). This variant is not present in population databases (gnomAD no frequency). This variant has not been reported in the literature in individuals affected with RINT1-related conditions. ClinVar contains an entry for this variant (Variation ID: 665720). Algorithms developed to predict the effect of missense changes on protein structure and function output the following: SIFT: "Not Available"; PolyPhen-2: "Benign"; Align-GVGD: "Not Available". The aspartic acid amino acid residue is found in multiple mammalian species, which suggests that this missense change does not adversely affect protein function. In summary, the available evidence is currently insufficient to determine the role of this variant in disease. Therefore, it has been classified as a Variant of Uncertain Significance.

NM_021930.6(RINT1):c.786G>T (p.Glu262Asp)

Gene: RINT1 (RAD50 interactor 1; plus strand). Cytogenetic location: 7q22.3.
Variant type: single nucleotide variant.
Coding change: c.786G>T on transcript NM_021930.6 (MANE Select); coding-DNA position 786, G replaced by T.
Protein change: p.Glu262Asp; replaces glutamic acid 262 with aspartic acid.
Molecular consequence: missense variant. On other transcripts: 5 prime UTR variant (2), non-coding transcript variant (1), intron variant (1).
Genome position (GRCh38, 1-based): chr7:105,547,280, G>T. VCF-style: chr7-105547280-G-T. GRCh37 (hg19) VCF-style: chr7-105187727-G-T.
Other names: c.552G>T, p.Glu184Asp (NM_001346599.2); c.-234G>T (NM_001346600.2); c.-137G>T (NM_001346601.2); c.-27-2775G>T (NM_001346603.2); short protein forms E184D, E262D.
Identifiers: ClinVar variation 665720 (VCV000665720.14), dbSNP rs377396859, ClinGen allele CA368806377.